The following is an entry in ClinVar:

NM_001130438.3(SPTAN1):c.4079G>T (p.Gly1360Val)

Gene: SPTAN1 (spectrin alpha, non-erythrocytic 1; plus strand). Cytogenetic location: 9q34.11.
Variant type: single nucleotide variant.
Coding change: c.4079G>T on transcript NM_001130438.3 (MANE Select); coding-DNA position 4079, G replaced by T.
Protein change: p.Gly1360Val; replaces glycine 1360 with valine.
Molecular consequence: missense variant.
Genome position (GRCh38, 1-based): chr9:128,607,636, G>T. VCF-style: chr9-128607636-G-T. GRCh37 (hg19) VCF-style: chr9-131369915-G-T.
Other names: c.4019G>T, p.Gly1340Val (NM_001195532.2, NM_001363765.2, NM_001375314.2); c.4079G>T, p.Gly1360Val (NM_001363759.2, NM_001375310.1, NM_001375311.2 and 2 more transcripts); c.4115G>T, p.Gly1372Val (NM_001375312.2, NM_001375318.1); short protein forms G1340V, G1360V, G1372V.
Identifiers: ClinVar variation 1051766 (VCV001051766.10), dbSNP rs2131613100, ClinGen allele CA375065791.

ClinVar aggregate classification (germline): Uncertain significance (1 of 4 stars; one submission).

Conditions:
Early-infantile DEE. Also called: Ohtahara syndrome; Early infantile epileptic encephalopathy with suppression bursts; Early infantile epileptic encephalopathy. Identifiers: Orphanet 1934, MedGen C0393706, MONDO:0800491.

Submission:

Labcorp Genetics (formerly Invitae), Labcorp
Classification: Uncertain significance for Early-infantile DEE. Last evaluated: 2020-08-03. Review status: criteria provided, single submitter. Criteria: Invitae Variant Classification Sherloc (09022015). Collection method: clinical testing. Allele origin: germline.
Comment: This sequence change replaces glycine with valine at codon 1360 of the SPTAN1 protein (p.Gly1360Val). The glycine residue is highly conserved and there is a moderate physicochemical difference between glycine and valine. This variant is not present in population databases (ExAC no frequency). This variant has not been reported in the literature in individuals with SPTAN1-related conditions. Algorithms developed to predict the effect of missense changes on protein structure and function are either unavailable or do not agree on the potential impact of this missense change (SIFT: "Deleterious"; PolyPhen-2: "Benign"; Align-GVGD: "Class C0"). In summary, the available evidence is currently insufficient to determine the role of this variant in disease. Therefore, it has been classified as a Variant of Uncertain Significance.